The following is an entry in ClinVar:

NM_001267550.2(TTN):c.100135G>T (p.Glu33379Ter)

Genes: TTN (titin; minus strand), TTN-AS1 (TTN antisense RNA 1; plus strand), LOC126806420 (BRD4-independent group 4 enhancer GRCh37_chr2:179401104-179402303; plus strand). Cytogenetic location: 2q31.2.
Variant type: single nucleotide variant.
Coding change: c.100135G>T on transcript NM_001267550.2 (MANE Select); coding-DNA position 100135, G replaced by T.
Protein change: p.Glu33379Ter; replaces glutamic acid 33379 with a stop codon.
Molecular consequence: nonsense.
Genome position (GRCh38, 1-based): chr2:178,536,974, C>A on the plus strand (G>T on the coding strand, the complement: TTN is on the minus strand). VCF-style: chr2-178536974-C-A. GRCh37 (hg19) VCF-style: chr2-179401701-C-A.
Other names: c.95212G>T, p.Glu31738Ter (NM_001256850.1); c.72940G>T, p.Glu24314Ter (NM_003319.4); c.92431G>T, p.Glu30811Ter (NM_133378.4); c.73315G>T, p.Glu24439Ter (NM_133432.3); c.73516G>T, p.Glu24506Ter (NM_133437.4); short protein forms E24506*, E30811*, E31738*, E33379*, E24314*, E24439*.
Identifiers: ClinVar variation 836269 (VCV000836269.10), dbSNP rs1691881913, ClinGen allele CA349426692.

ClinVar aggregate classification (germline): Likely pathogenic (1 of 4 stars; one submission).

Conditions:
Dilated cardiomyopathy 1G (CMD1G). Identifiers: Orphanet 154, MedGen C1858763, MONDO:0011400, OMIM 604145.
Autosomal recessive limb-girdle muscular dystrophy type 2J (LGMDR10). Also called: Limb-girdle muscular dystrophy, type 2J; MUSCULAR DYSTROPHY, LIMB-GIRDLE, AUTOSOMAL RECESSIVE 10. Identifiers: Orphanet 140922, MedGen C1837342, MONDO:0012127, OMIM 608807.

Submission:

Labcorp Genetics (formerly Invitae), Labcorp
Classification: Likely pathogenic for Dilated cardiomyopathy 1G; Autosomal recessive limb-girdle muscular dystrophy type 2J. Last evaluated: 2025-04-27. Review status: criteria provided, single submitter. Criteria: Invitae Variant Classification Sherloc (09022015). Collection method: clinical testing. Allele origin: germline.
Comment: This sequence change creates a premature translational stop signal (p.Glu33379*) in the TTN gene. While this is not anticipated to result in nonsense mediated decay, it is expected to create a truncated TTN protein. This variant is not present in population databases (gnomAD no frequency). This variant has not been reported in the literature in individuals affected with TTN-related conditions. ClinVar contains an entry for this variant (Variation ID: 836269). This variant is located in the A band of TTN (PMID: 25589632). Truncating variants in this region are significantly overrepresented in patients affected with dilated cardiomyopathy (PMID: 25589632). Truncating variants in this region have also been reported in individuals affected with autosomal recessive centronuclear myopathy (PMID: 23975875). In summary, the currently available evidence indicates that the variant is pathogenic, but additional data are needed to prove that conclusively. Therefore, this variant has been classified as Likely Pathogenic.

Literature cited by the submitters: PubMed 25589632; PubMed 23975875.